The following is an entry in ClinVar:

NM_020822.3(KCNT1):c.1874T>A (p.Ile625Asn)

Gene: KCNT1 (potassium sodium-activated channel subfamily T member 1; plus strand). Cytogenetic location: 9q34.3.
Variant type: single nucleotide variant.
Coding change: c.1874T>A on transcript NM_020822.3 (MANE Select); coding-DNA position 1874, T replaced by A.
Protein change: p.Ile625Asn; replaces isoleucine 625 with asparagine.
Molecular consequence: missense variant.
Genome position (GRCh38, 1-based): chr9:135,770,961, T>A. VCF-style: chr9-135770961-T-A. GRCh37 (hg19) VCF-style: chr9-138662807-T-A.
Other names: c.1739T>A, p.Ile580Asn (NM_001272003.2); short protein forms I580N, I625N.
Identifiers: ClinVar variation 2943512 (VCV002943512.3), dbSNP rs2490971490, ClinGen allele CA375508393.
Genomic context (GRCh38, chr9:135,770,961, plus strand): 5'-GCATCCTGCTGAACCCGGGGCCCCGGCACATCCTGGCCGCCTCTGACACCTGCTTCTACA[T>A]CAACATCACCAAGGAGGAGAACTCGGCCTTCATCTTCAAGCAGGAGGAGAAGCGGAAGAA-3'
Protein context (NP_065873.2, residues 615-635): ILAASDTCFY[Ile625Asn]NITKEENSAF

ClinVar aggregate classification (germline): Uncertain significance (1 of 4 stars; one submission).

Conditions:
Autosomal dominant nocturnal frontal lobe epilepsy 5. Also called: Epilepsy, nocturnal frontal lobe, 5; CILIARY DYSKINESIA, PRIMARY, 28, WITHOUT SITUS INVERSUS; CILIARY DYSKINESIA, PRIMARY, 28, WITH SITUS INVERSUS; KCNT1-Related Epilepsy. Identifiers: Orphanet 98784, MedGen C3554306, MONDO:0014002, OMIM 615005.
Developmental and epileptic encephalopathy, 14 (DEE14). Also called: Early infantile epileptic encephalopathy 14. Identifiers: Orphanet 293181, MedGen C3554195, MONDO:0013989, OMIM 614959.

Submission:

Labcorp Genetics (formerly Invitae), Labcorp
Classification: Uncertain significance for Autosomal dominant nocturnal frontal lobe epilepsy 5; Developmental and epileptic encephalopathy, 14. Last evaluated: 2023-01-27. Review status: criteria provided, single submitter. Criteria: Invitae Variant Classification Sherloc (09022015). Collection method: clinical testing. Allele origin: germline.
Comment: This sequence change replaces isoleucine, which is neutral and non-polar, with asparagine, which is neutral and polar, at codon 625 of the KCNT1 protein (p.Ile625Asn). This variant is not present in population databases (gnomAD no frequency). This variant has not been reported in the literature in individuals affected with KCNT1-related conditions. Advanced modeling of protein sequence and biophysical properties (such as structural, functional, and spatial information, amino acid conservation, physicochemical variation, residue mobility, and thermodynamic stability) has been performed at Invitae for this missense variant, however the output from this modeling did not meet the statistical confidence thresholds required to predict the impact of this variant on KCNT1 protein function. In summary, the available evidence is currently insufficient to determine the role of this variant in disease. Therefore, it has been classified as a Variant of Uncertain Significance.